The following is an entry in ClinVar:

ClinVar aggregate classification (germline): Uncertain significance (1 of 4 stars; one submission).

Submission:

Labcorp Genetics (formerly Invitae), Labcorp
Classification: Uncertain significance. Last evaluated: 2024-09-30. Review status: criteria provided, single submitter. Criteria: Invitae Variant Classification Sherloc (09022015). Collection method: clinical testing. Allele origin: germline.
Comment: This sequence change replaces proline, which is neutral and non-polar, with serine, which is neutral and polar, at codon 302 of the TRAF3IP1 protein (p.Pro302Ser). This variant is not present in population databases (gnomAD no frequency). This variant has not been reported in the literature in individuals affected with TRAF3IP1-related conditions. ClinVar contains an entry for this variant (Variation ID: 2130266). Invitae Evidence Modeling of protein sequence and biophysical properties (such as structural, functional, and spatial information, amino acid conservation, physicochemical variation, residue mobility, and thermodynamic stability) indicates that this missense variant is not expected to disrupt TRAF3IP1 protein function with a negative predictive value of 80%. In summary, the available evidence is currently insufficient to determine the role of this variant in disease. Therefore, it has been classified as a Variant of Uncertain Significance.

NM_015650.4(TRAF3IP1):c.904C>T (p.Pro302Ser)

Gene: TRAF3IP1 (TRAF3 interacting protein 1; plus strand). Cytogenetic location: 2q37.3.
Variant type: single nucleotide variant.
Coding change: c.904C>T on transcript NM_015650.4 (MANE Select); coding-DNA position 904, C replaced by T.
Protein change: p.Pro302Ser; replaces proline 302 with serine.
Molecular consequence: missense variant.
Genome position (GRCh38, 1-based): chr2:238,329,331, C>T. VCF-style: chr2-238329331-C-T. GRCh37 (hg19) VCF-style: chr2-239237972-C-T.
Other names: c.904C>T, p.Pro302Ser (NM_001139490.1); short protein forms P302S.
Identifiers: ClinVar variation 2130266 (VCV002130266.4), dbSNP rs1574895080, ClinGen allele CA351246651.